The following is an entry in ClinVar:

ClinVar aggregate classification (germline): Uncertain significance (1 of 4 stars; one submission).

Conditions:
Werner syndrome (WRN). Identifiers: Orphanet 902, MedGen C0043119, MONDO:0010196, OMIM 277700.

Submission:

Labcorp Genetics (formerly Invitae), Labcorp
Classification: Uncertain significance for Werner syndrome. Last evaluated: 2023-07-10. Review status: criteria provided, single submitter. Criteria: Invitae Variant Classification Sherloc (09022015). Collection method: clinical testing. Allele origin: germline.
Comment: ClinVar contains an entry for this variant (Variation ID: 860516). In summary, the available evidence is currently insufficient to determine the role of this variant in disease. Therefore, it has been classified as a Variant of Uncertain Significance. An algorithm developed to predict the effect of missense changes on protein structure and function (PolyPhen-2) suggests that this variant is likely to be disruptive. This variant has not been reported in the literature in individuals affected with WRN-related conditions. This variant is not present in population databases (gnomAD no frequency). This sequence change replaces isoleucine, which is neutral and non-polar, with asparagine, which is neutral and polar, at codon 1352 of the WRN protein (p.Ile1352Asn).

NM_000553.6(WRN):c.4055T>A (p.Ile1352Asn)

Gene: WRN (WRN RecQ like helicase; plus strand). Cytogenetic location: 8p12.
Variant type: single nucleotide variant.
Coding change: c.4055T>A on transcript NM_000553.6 (MANE Select); coding-DNA position 4055, T replaced by A.
Protein change: p.Ile1352Asn; replaces isoleucine 1352 with asparagine.
Molecular consequence: missense variant.
Genome position (GRCh38, 1-based): chr8:31,167,094, T>A. VCF-style: chr8-31167094-T-A. GRCh37 (hg19) VCF-style: chr8-31024610-T-A.
Other names: short protein forms I1352N.
Identifiers: ClinVar variation 860516 (VCV000860516.5), dbSNP rs1060500065, ClinGen allele CA370909112.